The following is an entry in ClinVar:

NM_005591.4(MRE11):c.535T>C (p.Tyr179His)

Gene: MRE11 (MRE11 double strand break repair nuclease; minus strand). Cytogenetic location: 11q21.
Variant type: single nucleotide variant.
Coding change: c.535T>C on transcript NM_005591.4 (MANE Select); coding-DNA position 535, T replaced by C.
Protein change: p.Tyr179His; replaces tyrosine 179 with histidine.
Molecular consequence: missense variant.
Genome position (GRCh38, 1-based): chr11:94,478,744, A>G on the plus strand (T>C on the coding strand, the complement: MRE11 is on the minus strand). VCF-style: chr11-94478744-A-G. GRCh37 (hg19) VCF-style: chr11-94211910-A-G.
Other names: c.535T>C, p.Tyr179His (NM_001330347.2, NM_005590.4); short protein forms Y179H.
Identifiers: ClinVar variation 219920 (VCV000219920.13), dbSNP rs864622308, ClinGen allele CA348382.

ClinVar aggregate classification (germline): Uncertain significance. Review status: criteria provided, multiple submitters, no conflicts (2 of 4 stars). 3 submissions from 3 submitters: Uncertain significance (3). Last evaluated 2024-01-19.

Conditions:
Ataxia-telangiectasia-like disorder (ATLD). Identifiers: MedGen C1858391, MONDO:0011457.
Hereditary cancer-predisposing syndrome. Also called: Hereditary neoplastic syndrome; Tumor predisposition; Hereditary Cancer Syndrome; Neoplastic Syndromes, Hereditary. Identifiers: Orphanet 140162, MedGen C0027672, MeSH D009386, MONDO:0015356.
Ataxia-telangiectasia-like disorder 1 (ATLD1). Identifiers: Orphanet 251347, MedGen C4012790, MONDO:0024557, OMIM 604391.

Allele frequency attached by ClinVar (database versions not stated): gnomAD exomes below 0.00001.
gnomAD v4.1: 2 of 1,612,598 alleles (0.00012%); highest among the groups gnomAD compares: East Asian, 0.0045%; no homozygotes.

Submissions (3):

Baylor Genetics
Classification: Uncertain significance for Ataxia-telangiectasia-like disorder 1. Last evaluated: 2024-01-19. Review status: criteria provided, single submitter. Criteria: ACMG Guidelines, 2015. Collection method: clinical testing. Allele origin: unknown.

Ambry Genetics
Classification: Uncertain significance for Hereditary cancer-predisposing syndrome. Last evaluated: 2023-06-29. Review status: criteria provided, single submitter. Criteria: Ambry Variant Classification Scheme 2023. Collection method: clinical testing. Allele origin: germline.

Labcorp Genetics (formerly Invitae), Labcorp
Classification: Uncertain significance for Ataxia-telangiectasia-like disorder. Last evaluated: 2022-06-25. Review status: criteria provided, single submitter. Criteria: Invitae Variant Classification Sherloc (09022015). Collection method: clinical testing. Allele origin: germline.
Comment: This sequence change replaces tyrosine, which is neutral and polar, with histidine, which is basic and polar, at codon 179 of the MRE11 protein (p.Tyr179His). This variant is present in population databases (no rsID available, gnomAD 0.006%). This variant has not been reported in the literature in individuals affected with MRE11-related conditions. ClinVar contains an entry for this variant (Variation ID: 219920). Algorithms developed to predict the effect of missense changes on protein structure and function (SIFT, PolyPhen-2, Align-GVGD) all suggest that this variant is likely to be disruptive. In summary, the available evidence is currently insufficient to determine the role of this variant in disease. Therefore, it has been classified as a Variant of Uncertain Significance.